The following is an entry in ClinVar:

ClinVar aggregate classification (germline): Uncertain significance. Review status: criteria provided, multiple submitters, no conflicts (2 of 4 stars). 4 submissions from 4 submitters: Uncertain significance (4). Last evaluated 2026-04-23.

Conditions:
Mitochondrial DNA depletion syndrome 13. Also called: FBXL4-Related Encephalomyopathic Mitochondrial DNA Depletion Syndrome; Mitochondrial DNA depletion syndrome 13 (encephalomyopathic type). Identifiers: Orphanet 369897, MedGen C3809592, MONDO:0014198, OMIM 615471.

Allele frequency attached by ClinVar (database versions not stated): ESP Exome Variant Server 0.00008; gnomAD 0.00004; TOPMed 0.00005; gnomAD exomes 0.00008; ExAC 0.00012.
gnomAD v4.1: 118 of 1,613,146 alleles (0.0073%); highest among the groups gnomAD compares: Non-Finnish European, 0.0094%; no homozygotes.

Submissions (4):

GeneDx
Classification: Uncertain significance. Last evaluated: 2026-04-23. Review status: criteria provided, single submitter. Criteria: GeneDx Variant Classification Process June 2021. Collection method: clinical testing. Allele origin: germline.
Comment: In silico analysis supports that this missense variant has a deleterious effect on protein structure/function; Has not been previously published as pathogenic or benign to our knowledge

Labcorp Genetics (formerly Invitae), Labcorp
Classification: Uncertain significance. Last evaluated: 2025-06-23. Review status: criteria provided, single submitter. Criteria: Invitae Variant Classification Sherloc (09022015). Collection method: clinical testing. Allele origin: germline.
Comment: This sequence change replaces arginine, which is basic and polar, with cysteine, which is neutral and slightly polar, at codon 189 of the FBXL4 protein (p.Arg189Cys). This variant is present in population databases (rs373308410, gnomAD 0.02%). This variant has not been reported in the literature in individuals affected with FBXL4-related conditions. ClinVar contains an entry for this variant (Variation ID: 437599). Invitae Evidence Modeling of protein sequence and biophysical properties (such as structural, functional, and spatial information, amino acid conservation, physicochemical variation, residue mobility, and thermodynamic stability) indicates that this missense variant is expected to disrupt FBXL4 protein function with a positive predictive value of 95%. In summary, the available evidence is currently insufficient to determine the role of this variant in disease. Therefore, it has been classified as a Variant of Uncertain Significance.

Blueprint Genetics
Classification: Uncertain significance. Last evaluated: 2021-05-27. Review status: criteria provided, single submitter. Criteria: ACMG Guidelines, 2015. Collection method: clinical testing. Allele origin: germline.

Wong Mito Lab, Molecular and Human Genetics, Baylor College of Medicine
Classification: Uncertain significance for Mitochondrial DNA depletion syndrome 13. Last evaluated: 2017-08-10. Review status: criteria provided, single submitter. Criteria: ACMG Guidelines, 2015. Collection method: reference population. Allele origin: germline.
Comment: The NM_012160.4:c.565C>T (NP_036292.2:p.Arg189Cys) [GRCH38: NC_000006.12:g.98917667G>A] variant in FBXL4 gene is interpretated to be a Uncertain Significance - Insufficient Evidence based on ACMG guidelines (PMID: 25741868). This variant meets one or more of the following evidence codes reported in the ACMG-guideline. PM2:This variant is absent in key population databases. PP3:Computational evidence/predictors indicate the variant has deleterious effect on FBXL4 structure, function, or protein-protein interaction. Based on this evidence code ClinGen Pathogenicity Calculator (PMID:28081714) suggested that the variant is Uncertain Significance - Insufficient Evidence.

NM_001278716.2(FBXL4):c.565C>T (p.Arg189Cys)

Gene: FBXL4 (F-box and leucine rich repeat protein 4; minus strand). Cytogenetic location: 6q16.2.
Variant type: single nucleotide variant.
Coding change: c.565C>T on transcript NM_001278716.2 (MANE Select); coding-DNA position 565, C replaced by T.
Protein change: p.Arg189Cys; replaces arginine 189 with cysteine.
Molecular consequence: missense variant.
Genome position (GRCh38, 1-based): chr6:98,917,667, G>A on the plus strand (C>T on the coding strand, the complement: FBXL4 is on the minus strand). VCF-style: chr6-98917667-G-A. GRCh37 (hg19) VCF-style: chr6-99365543-G-A.
Other names: c.565C>T, p.Arg189Cys (NM_012160.5); c.565C>T (NM_012160.3); short protein forms R189C.
Identifiers: ClinVar variation 437599 (VCV000437599.6), dbSNP rs373308410, ClinGen allele CA3933654.